The following is an entry in ClinVar:

NM_001080453.3(INTS1):c.4032G>T (p.Arg1344=)

Gene: INTS1 (integrator complex subunit 1; minus strand). Cytogenetic location: 7p22.3.
Variant type: single nucleotide variant.
Coding change: c.4032G>T on transcript NM_001080453.3 (MANE Select); coding-DNA position 4032, G replaced by T.
Protein change: p.Arg1344=; no amino-acid change (arginine 1344 retained).
Molecular consequence: synonymous variant.
Genome position (GRCh38, 1-based): chr7:1,480,359, C>A on the plus strand (G>T on the coding strand, the complement: INTS1 is on the minus strand). VCF-style: chr7-1480359-C-A. GRCh37 (hg19) VCF-style: chr7-1519995-C-A.
Identifiers: ClinVar variation 5040501 (VCV005040501.1).

ClinVar aggregate classification (germline): Likely benign (1 of 4 stars; one submission).

gnomAD v4.1: 1 of 1,611,838 alleles (0.000062%); highest among the groups gnomAD compares: Non-Finnish European, 0.000085%; no homozygotes.

Submission:

CeGaT Center for Human Genetics Tuebingen
Classification: Likely benign. Last evaluated: 2026-07-01. Review status: criteria provided, single submitter. Criteria: CeGaT Center For Human Genetics Tuebingen Variant Classification Criteria Version 2. Collection method: clinical testing. Allele origin: germline. Affected: yes. Observed: 1 variant allele.
Comment: INTS1: BP4, BP7